The following is an entry in ClinVar:

ClinVar aggregate classification (germline): Likely benign (1 of 4 stars; one submission).

Conditions:
DST-related disorder. Also called: DST-related disorders; DST-related condition.

gnomAD v4.1: 19 of 1,612,438 alleles (0.0012%); highest among the groups gnomAD compares: South Asian, 0.011%; no homozygotes.

Submission:

PreventionGenetics, part of Exact Sciences
Classification: Likely benign for DST-related condition. Last evaluated: 2026-06-12. Review status: criteria provided, single submitter. Criteria: ACMG Guidelines, 2015. Collection method: clinical testing. Allele origin: germline.
Comment: This variant is classified as likely benign based on ACMG/AMP sequence variant interpretation guidelines (Richards et al. 2015 PMID: 25741868, with internal and published modifications).

NM_001374736.1(DST):c.1284C>T (p.Tyr428=)

Gene: DST (dystonin; minus strand). Cytogenetic location: 6p12.1.
Variant type: single nucleotide variant.
Coding change: c.1284C>T on transcript NM_001374736.1 (MANE Select); coding-DNA position 1284, C replaced by T.
Protein change: p.Tyr428=; no amino-acid change (tyrosine 428 retained).
Molecular consequence: synonymous variant.
Genome position (GRCh38, 1-based): chr6:56,651,175, G>A on the plus strand (C>T on the coding strand, the complement: DST is on the minus strand). VCF-style: chr6-56651175-G-A. GRCh37 (hg19) VCF-style: chr6-56515973-G-A.
Other names: c.1185C>T, p.Tyr395= (NM_001144769.5); c.771C>T, p.Tyr257= (NM_001144770.2); c.1284C>T, p.Tyr428= (NM_001374722.1); c.651C>T, p.Tyr217= (NM_001374729.1, NM_001374730.1, NM_001386100.1 and 1 more transcripts); c.1311C>T, p.Tyr437= (NM_001374734.1).
Identifiers: ClinVar variation 4978163 (VCV004978163.1).
Genomic context (GRCh38, chr6:56,651,175, plus strand): 5'-TCAAGAAAATAACTCACCTTCAGGGTCCAGAAGTCTTATAACACCAATTTTTTCTGCTAC[G>A]TAAAAAGCATGCTCTAAATTTGCAAGGTTGCTTTGAACAGCAACAGTATTCATATCTATC-3'
Protein context (NP_001361665.1, residues 418-438): SNLANLEHAF[Tyr428=]VAEKIGVIRL